The following is an entry in ClinVar:

NM_021930.6(RINT1):c.976C>G (p.Gln326Glu)

Gene: RINT1 (RAD50 interactor 1; plus strand). Cytogenetic location: 7q22.3.
Variant type: single nucleotide variant.
Coding change: c.976C>G on transcript NM_021930.6 (MANE Select); coding-DNA position 976, C replaced by G.
Protein change: p.Gln326Glu; replaces glutamine 326 with glutamic acid.
Molecular consequence: missense variant. On other transcripts: 5 prime UTR variant (1), non-coding transcript variant (1), intron variant (1).
Genome position (GRCh38, 1-based): chr7:105,548,690, C>G. VCF-style: chr7-105548690-C-G. GRCh37 (hg19) VCF-style: chr7-105189137-C-G.
Other names: c.742C>G, p.Gln248Glu (NM_001346599.2); c.-44C>G (NM_001346600.2); c.52C>G, p.Gln18Glu (NM_001346601.2); c.-27-1365C>G (NM_001346603.2); short protein forms Q326E, Q18E, Q248E.
Identifiers: ClinVar variation 3945970 (VCV003945970.1).
Genomic context (GRCh38, chr7:105,548,690, plus strand): 5'-ATCCAGGTTATGCTGACTCCTCTTCAGAAGAGGTTCAGGTATCACTTCAGAGGGAACCGG[C>G]AGACTAATGTGTTAAGCAAGGTGTGTTTTGCCAGCTCTTGTCCTTGGTTTTTATTGGTAA-3'
Protein context (NP_068749.3, residues 316-336): RFRYHFRGNR[Gln326Glu]TNVLSKPEWY

ClinVar aggregate classification (germline): Uncertain significance (1 of 4 stars; one submission).

Submission:

Ambry Genetics
Classification: Uncertain significance. Last evaluated: 2025-03-16. Review status: criteria provided, single submitter. Criteria: Ambry Variant Classification Scheme 2023. Collection method: clinical testing. Allele origin: germline.
Comment: The p.Q326E variant (also known as c.976C>G), located in coding exon 7 of the RINT1 gene, results from a C to G substitution at nucleotide position 976. The glutamine at codon 326 is replaced by glutamic acid, an amino acid with highly similar properties. This amino acid position is conserved. In addition, this alteration is predicted to be tolerated by in silico analysis. Based on the available evidence, the clinical significance of this variant remains unclear.